The following is an entry in ClinVar:

ClinVar aggregate classification (germline): Uncertain significance (0 of 4 stars; one submission).

Conditions:
CIITA-related disorder. Also called: CIITA-related condition.

Allele frequency attached by ClinVar (database versions not stated): gnomAD exomes below 0.00001; ExAC 0.00001; gnomAD 0.00002; TOPMed 0.00002.

Submission:

PreventionGenetics, part of Exact Sciences
Classification: Uncertain significance for CIITA-related condition. Last evaluated: 2023-10-18. Review status: no assertion criteria provided. Collection method: clinical testing. Allele origin: germline.
Comment: The CIITA c.97G>A variant is predicted to result in the amino acid substitution p.Gly33Ser. To our knowledge, this variant has not been reported in the literature. This variant is reported in 0.0062% of alleles in individuals of African descent in gnomAD. At this time, the clinical significance of this variant is uncertain due to the absence of conclusive functional and genetic evidence.

NM_000246.4(CIITA):c.97G>A (p.Gly33Ser)

Gene: CIITA (class II major histocompatibility complex transactivator; plus strand). Cytogenetic location: 16p13.13.
Variant type: single nucleotide variant.
Coding change: c.97G>A on transcript NM_000246.4 (MANE Select); coding-DNA position 97, G replaced by A.
Protein change: p.Gly33Ser; replaces glycine 33 with serine.
Molecular consequence: missense variant. On other transcripts: non-coding transcript variant (1).
Genome position (GRCh38, 1-based): chr16:10,895,326, G>A. VCF-style: chr16-10895326-G-A. GRCh37 (hg19) VCF-style: chr16-10989183-G-A.
Other names: c.97G>A, p.Gly33Ser (NM_001286402.1, NM_001286403.2, NM_001379330.1 and 3 more transcripts); c.25G>A, p.Gly9Ser (NM_001379334.1); short protein forms G33S, G9S.
Identifiers: ClinVar variation 3054949 (VCV003054949.2), dbSNP rs757444055, ClinGen allele CA7899569.
Genomic context (GRCh38, chr16:10,895,326, plus strand): 5'-TTGTCTTCCCTCCCAGGCAGCTCACAGTGTGCCACCATGGAGTTGGGGCCCCTAGAAGGT[G>A]GCTACCTGGAGCTTCTTAACAGCGATGCTGACCCCCTGTGCCTCTACCACTTCTATGACC-3'
Protein context (NP_000237.2, residues 23-43): ATMELGPLEG[Gly33Ser]YLELLNSDAD